The following is an entry in ClinVar:

ClinVar aggregate classification (germline): Uncertain significance (1 of 4 stars; one submission).

Allele frequency attached by ClinVar (database versions not stated): gnomAD 0.00001; gnomAD exomes 0.00002 and 0.00003; TOPMed 0.00002; ExAC 0.00004.
gnomAD v4.1: 25 of 1,612,156 alleles (0.0016%); highest among the groups gnomAD compares: South Asian, 0.021%; no homozygotes.

Submission:

Labcorp Genetics (formerly Invitae), Labcorp
Classification: Uncertain significance. Last evaluated: 2021-08-31. Review status: criteria provided, single submitter. Criteria: Invitae Variant Classification Sherloc (09022015). Collection method: clinical testing. Allele origin: germline.
Comment: This sequence change replaces arginine with tryptophan at codon 1028 of the SKIV2L protein (p.Arg1028Trp). The arginine residue is weakly conserved and there is a moderate physicochemical difference between arginine and tryptophan. This variant is present in population databases (rs750969597, ExAC 0.03%). This variant has not been reported in the literature in individuals affected with SKIV2L-related conditions. Algorithms developed to predict the effect of missense changes on protein structure and function are either unavailable or do not agree on the potential impact of this missense change (SIFT: "Tolerated"; PolyPhen-2: "Possibly Damaging"; Align-GVGD: "Class C0"). In summary, the available evidence is currently insufficient to determine the role of this variant in disease. Therefore, it has been classified as a Variant of Uncertain Significance.

NM_006929.5(SKIC2):c.3082C>T (p.Arg1028Trp)

Gene: SKIC2 (SKI2 subunit of superkiller complex; plus strand). Cytogenetic location: 6p21.33.
Variant type: single nucleotide variant.
Coding change: c.3082C>T on transcript NM_006929.5 (MANE Select); coding-DNA position 3082, C replaced by T.
Protein change: p.Arg1028Trp; replaces arginine 1028 with tryptophan.
Molecular consequence: missense variant.
Genome position (GRCh38, 1-based): chr6:31,968,698, C>T. VCF-style: chr6-31968698-C-T. GRCh37 (hg19) VCF-style: chr6-31936475-C-T.
Other names: short protein forms R1028W.
Identifiers: ClinVar variation 1431213 (VCV001431213.5), dbSNP rs750969597, ClinGen allele CA3729971.